The following is an entry in ClinVar:

NM_001291303.3(FAT4):c.2182A>G (p.Ile728Val)

Gene: FAT4 (FAT atypical cadherin 4; plus strand). Cytogenetic location: 4q28.1.
Variant type: single nucleotide variant.
Coding change: c.2182A>G on transcript NM_001291303.3 (MANE Select); coding-DNA position 2182, A replaced by G.
Protein change: p.Ile728Val; replaces isoleucine 728 with valine.
Molecular consequence: missense variant.
Genome position (GRCh38, 1-based): chr4:125,318,593, A>G. VCF-style: chr4-125318593-A-G. GRCh37 (hg19) VCF-style: chr4-126239748-A-G.
Other names: c.2182A>G, p.Ile728Val (NM_001291285.3, NM_024582.6); short protein forms I728V.
Identifiers: ClinVar variation 2015055 (VCV002015055.1), dbSNP rs771623506, ClinGen allele CA3072123.

ClinVar aggregate classification (germline): Uncertain significance (1 of 4 stars; one submission).

Allele frequency attached by ClinVar (database versions not stated): ExAC 0.00001.
gnomAD v4.1: 4 of 1,614,178 alleles (0.00025%); highest among the groups gnomAD compares: South Asian, 0.0011%; no homozygotes.

Submission:

Labcorp Genetics (formerly Invitae), Labcorp
Classification: Uncertain significance. Last evaluated: 2022-07-08. Review status: criteria provided, single submitter. Criteria: Invitae Variant Classification Sherloc (09022015). Collection method: clinical testing. Allele origin: germline.
Comment: This sequence change replaces isoleucine, which is neutral and non-polar, with valine, which is neutral and non-polar, at codon 728 of the FAT4 protein (p.Ile728Val). This variant is present in population databases (rs771623506, gnomAD 0.002%). This variant has not been reported in the literature in individuals affected with FAT4-related conditions. Advanced modeling of protein sequence and biophysical properties (such as structural, functional, and spatial information, amino acid conservation, physicochemical variation, residue mobility, and thermodynamic stability) performed at Invitae indicates that this missense variant is not expected to disrupt FAT4 protein function. In summary, the available evidence is currently insufficient to determine the role of this variant in disease. Therefore, it has been classified as a Variant of Uncertain Significance.